The following is an entry in ClinVar:

NM_001278716.2(FBXL4):c.570G>C (p.Gln190His)

Gene: FBXL4 (F-box and leucine rich repeat protein 4; minus strand). Cytogenetic location: 6q16.2.
Variant type: single nucleotide variant.
Coding change: c.570G>C on transcript NM_001278716.2 (MANE Select); coding-DNA position 570, G replaced by C.
Protein change: p.Gln190His; replaces glutamine 190 with histidine.
Molecular consequence: missense variant.
Genome position (GRCh38, 1-based): chr6:98,917,662, C>G on the plus strand (G>C on the coding strand, the complement: FBXL4 is on the minus strand). VCF-style: chr6-98917662-C-G. GRCh37 (hg19) VCF-style: chr6-99365538-C-G.
Other names: c.570G>C, p.Gln190His (NM_012160.5); short protein forms Q190H.
Identifiers: ClinVar variation 437602 (VCV000437602.1), dbSNP rs776510763, ClinGen allele CA3933651.
Genomic context (GRCh38, chr6:98,917,662, plus strand): 5'-ATTTACTTCCAGTCGTATAAGATTTGTGGGGAAATTTATCTGCTTAATACAAGGTTTAAA[C>G]TGGCGAGCTTGGGAAGCATTCACCTTCGTAGGTCTCTCTGACCAAAGAATCTCCCATCTG-3'
Protein context (NP_001265645.1, residues 180-200): PTKVNASQAR[Gln190His]FKPCIKQINF

ClinVar aggregate classification (germline): Uncertain significance (1 of 4 stars; one submission).

Conditions:
Mitochondrial DNA depletion syndrome 13. Also called: FBXL4-Related Encephalomyopathic Mitochondrial DNA Depletion Syndrome; Mitochondrial DNA depletion syndrome 13 (encephalomyopathic type). Identifiers: Orphanet 369897, MedGen C3809592, MONDO:0014198, OMIM 615471.

Allele frequency attached by ClinVar (database versions not stated): gnomAD exomes below 0.00001; ExAC 0.00001.
gnomAD v4.1: 1 of 1,613,596 alleles (0.000062%); highest among the groups gnomAD compares: Non-Finnish European, 0.000085%; no homozygotes.

Submission:

Wong Mito Lab, Molecular and Human Genetics, Baylor College of Medicine
Classification: Uncertain significance for Mitochondrial DNA depletion syndrome 13. Last evaluated: 2017-08-10. Review status: criteria provided, single submitter. Criteria: ACMG Guidelines, 2015. Collection method: reference population. Allele origin: germline.
Comment: The NM_012160.4:c.570G>C (NP_036292.2:p.Gln190His) [GRCH38: NC_000006.12:g.98917662C>G] variant in FBXL4 gene is interpretated to be a Uncertain Significance - Insufficient Evidence based on ACMG guidelines (PMID: 25741868). This variant meets one or more of the following evidence codes reported in the ACMG-guideline. PM2:This variant is absent in key population databases. Based on this evidence code ClinGen Pathogenicity Calculator (PMID:28081714) suggested that the variant is Uncertain Significance - Insufficient Evidence.